The following is an entry in ClinVar:

NM_004655.4(AXIN2):c.147G>C (p.Met49Ile)

Gene: AXIN2 (axin 2; minus strand). Cytogenetic location: 17q24.1.
Variant type: single nucleotide variant.
Coding change: c.147G>C on transcript NM_004655.4 (MANE Select); coding-DNA position 147, G replaced by C.
Protein change: p.Met49Ile; replaces methionine 49 with isoleucine.
Molecular consequence: missense variant.
Genome position (GRCh38, 1-based): chr17:65,558,474, C>G on the plus strand (G>C on the coding strand, the complement: AXIN2 is on the minus strand). VCF-style: chr17-65558474-C-G. GRCh37 (hg19) VCF-style: chr17-63554592-C-G.
Other names: c.147G>C, p.Met49Ile (NM_001363813.1); short protein forms M49I.
Identifiers: ClinVar variation 3665542 (VCV003665542.2).

ClinVar aggregate classification (germline): Uncertain significance (1 of 4 stars; one submission).

Conditions:
Oligodontia-cancer predisposition syndrome. Also called: TOOTH AGENESIS-COLORECTAL CANCER SYNDROME. Identifiers: Orphanet 300576, MedGen C1837750, MONDO:0012075, OMIM 608615. Disease mechanism: loss of function.

Submission:

Labcorp Genetics (formerly Invitae), Labcorp
Classification: Uncertain significance for Oligodontia-cancer predisposition syndrome. Last evaluated: 2024-09-14. Review status: criteria provided, single submitter. Criteria: Invitae Variant Classification Sherloc (09022015). Collection method: clinical testing. Allele origin: germline.
Comment: This sequence change replaces methionine, which is neutral and non-polar, with isoleucine, which is neutral and non-polar, at codon 49 of the AXIN2 protein (p.Met49Ile). This variant is not present in population databases (gnomAD no frequency). This variant has not been reported in the literature in individuals affected with AXIN2-related conditions. Invitae Evidence Modeling of protein sequence and biophysical properties (such as structural, functional, and spatial information, amino acid conservation, physicochemical variation, residue mobility, and thermodynamic stability) indicates that this missense variant is not expected to disrupt AXIN2 protein function with a negative predictive value of 80%. In summary, the available evidence is currently insufficient to determine the role of this variant in disease. Therefore, it has been classified as a Variant of Uncertain Significance.